The following is an entry in ClinVar:

NM_000173.7(GP1BA):c.551T>A (p.Leu184Gln)

Gene: GP1BA (glycoprotein Ib platelet subunit alpha; plus strand). Cytogenetic location: 17p13.2.
Variant type: single nucleotide variant.
Coding change: c.551T>A on transcript NM_000173.7 (MANE Select); coding-DNA position 551, T replaced by A.
Protein change: p.Leu184Gln; replaces leucine 184 with glutamine.
Molecular consequence: missense variant.
Genome position (GRCh38, 1-based): chr17:4,933,155, T>A. VCF-style: chr17-4933155-T-A. GRCh37 (hg19) VCF-style: chr17-4836450-T-A.
Other names: short protein forms L184Q.
Identifiers: ClinVar variation 1318798 (VCV001318798.2), dbSNP rs2151107892, ClinGen allele CA397317247.

ClinVar aggregate classification (germline): Uncertain significance (1 of 4 stars; one submission).

Submission:

GeneDx
Classification: Uncertain significance. Last evaluated: 2021-10-02. Review status: criteria provided, single submitter. Criteria: GeneDx Variant Classification Process June 2021. Collection method: clinical testing. Allele origin: germline. Affected: yes.
Comment: Not observed at significant frequency in large population cohorts (Lek et al., 2016); In silico analysis supports that this missense variant has a deleterious effect on protein structure/function; Has not been previously published as pathogenic or benign to our knowledge